The following is an entry in ClinVar:

NM_000256.3(MYBPC3):c.722dup (p.Ser242fs)

Gene: MYBPC3 (myosin binding protein C3; minus strand). Cytogenetic location: 11p11.2.
Variant type: Duplication.
Coding change: c.722dup on transcript NM_000256.3 (MANE Select); coding-DNA position 722, one base duplicated (T; older notation c.722dupT).
Protein change: p.Ser242fs; shifts the reading frame from serine 242.
Molecular consequence: frameshift variant.
Genome position (GRCh38, 1-based): chr11:47,348,474, A duplicated on the plus strand (T on the coding strand, the reverse complement: MYBPC3 is on the minus strand). VCF-style (leftmost placement, unchanged base first): chr11-47348473-C-CA. GRCh37 (hg19) VCF-style: chr11-47370024-C-CA.
Other names: c.722dupT (NM_000256.3); c.722dup, p.Ser242fs (LRG_386t1); short protein forms S242fs.
Identifiers: ClinVar variation 181111 (VCV000181111.3), dbSNP rs730880683, ClinGen allele CA296443.

ClinVar aggregate classification (germline): Pathogenic. Review status: criteria provided, multiple submitters, no conflicts (2 of 4 stars). 2 submissions from 2 submitters: Pathogenic (2). Last evaluated 2025-10-21.

Conditions:
Cardiovascular phenotype. Identifiers: MedGen CN230736.

Submissions (2):

Ambry Genetics
Classification: Pathogenic for Cardiovascular phenotype. Last evaluated: 2025-10-21. Review status: criteria provided, single submitter. Criteria: Ambry Variant Classification Scheme 2023. Collection method: clinical testing. Allele origin: germline.
Comment: The c.722dupT pathogenic mutation, located in coding exon 6 of the MYBPC3 gene, results from a duplication of T at nucleotide position 722, causing a translational frameshift with a predicted alternate stop codon (p.S242Vfs*7). This variant was reported in individual(s) with features consistent with hypertrophic cardiomyopathy (Ambry internal data). This variant is considered to be rare based on population cohorts in the Genome Aggregation Database (gnomAD). This alteration is expected to result in loss of function by premature protein truncation or nonsense-mediated mRNA decay. As such, this alteration is interpreted as a disease-causing mutation.

GeneDx
Classification: Pathogenic. Last evaluated: 2013-09-30. Review status: criteria provided, single submitter. Criteria: GeneDx Variant Classification (06012015). Collection method: clinical testing. Allele origin: germline. Affected: yes.
Comment: Although the c.722dupT variant in the MYBPC3 gene has not been reported to our knowledge, this variant causes a shift in reading frame starting at codon Serine 242, changing it to a Valine, and creating a premature stop codon at position 7 of the new reading frame, denoted p.Ser242ValfsX7. This variant is expected to result in either an abnormal, truncated protein product or loss of protein from this allele through nonsense-mediated mRNA decay. Other frameshift variants in the MYBPC3 gene have been reported in association with cardiomyopathy. In summary, c.722dupT in the MYBPC3 gene is interpreted as a pathogenic variant.